The following is an entry in ClinVar:

ClinVar aggregate classification (germline): Uncertain significance (1 of 4 stars; one submission).

Conditions:
Hyperkalemic periodic paralysis. Also called: Gamstorp disease; Familial hyperkalemic periodic paralysis. Identifiers: Orphanet 682, MedGen C0238357, MONDO:0008224, OMIM 170500, HP:0007215.

Submission:

Labcorp Genetics (formerly Invitae), Labcorp
Classification: Uncertain significance for Hyperkalemic periodic paralysis. Last evaluated: 2025-04-17. Review status: criteria provided, single submitter. Criteria: Invitae Variant Classification Sherloc (09022015). Collection method: clinical testing. Allele origin: germline.
Comment: This sequence change replaces alanine, which is neutral and non-polar, with valine, which is neutral and non-polar, at codon 1322 of the SCN4A protein (p.Ala1322Val). This variant is not present in population databases (gnomAD no frequency). This missense change has been observed in individual(s) with clinical features of SCN4A-related conditions (internal data). ClinVar contains an entry for this variant (Variation ID: 567835). Invitae Evidence Modeling of protein sequence and biophysical properties (such as structural, functional, and spatial information, amino acid conservation, physicochemical variation, residue mobility, and thermodynamic stability) indicates that this missense variant is expected to disrupt SCN4A protein function with a positive predictive value of 80%. In summary, the available evidence is currently insufficient to determine the role of this variant in disease. Therefore, it has been classified as a Variant of Uncertain Significance.

NM_000334.4(SCN4A):c.3965C>T (p.Ala1322Val)

Genes: GH-LCR (growth hormone locus control region; plus strand), SCN4A (sodium voltage-gated channel alpha subunit 4; minus strand). Cytogenetic location: 17q23.3.
Variant type: single nucleotide variant.
Coding change: c.3965C>T on transcript NM_000334.4 (MANE Select); coding-DNA position 3965, C replaced by T.
Protein change: p.Ala1322Val; replaces alanine 1322 with valine.
Molecular consequence: missense variant.
Genome position (GRCh38, 1-based): chr17:63,943,798, G>A on the plus strand (C>T on the coding strand, the complement: SCN4A is on the minus strand). VCF-style: chr17-63943798-G-A. GRCh37 (hg19) VCF-style: chr17-62021158-G-A.
Other names: short protein forms A1322V.
Identifiers: ClinVar variation 567835 (VCV000567835.8), dbSNP rs1567817350, ClinGen allele CA400617050.